The following is an entry in ClinVar:

NM_001605.3(AARS1):c.1632C>T (p.Asp544=)

Gene: AARS1 (alanyl-tRNA synthetase 1; minus strand). Cytogenetic location: 16q22.1.
Variant type: single nucleotide variant.
Coding change: c.1632C>T on transcript NM_001605.3 (MANE Select); coding-DNA position 1632, C replaced by T.
Protein change: p.Asp544=; no amino-acid change (aspartic acid 544 retained).
Molecular consequence: synonymous variant.
Genome position (GRCh38, 1-based): chr16:70,262,385, G>A on the plus strand (C>T on the coding strand, the complement: AARS1 is on the minus strand). VCF-style: chr16-70262385-G-A. GRCh37 (hg19) VCF-style: chr16-70296288-G-A.
Identifiers: ClinVar variation 439344 (VCV000439344.26), dbSNP rs149425243, ClinGen allele CA8140745.

ClinVar aggregate classification (germline): Benign/Likely benign. Review status: criteria provided, multiple submitters, no conflicts (2 of 4 stars). 7 submissions from 7 submitters: Benign (2); Likely benign (4). 1 of the submissions does not count toward it. Last evaluated 2026-01-03.

Conditions:
Charcot-Marie-Tooth disease type 2. Also called: Charcot-Marie-Tooth type 2. Identifiers: Orphanet 64746, MedGen C0270914, MONDO:0018993.
Inborn genetic diseases. Identifiers: MedGen C0950123, MeSH D030342.
AARS1-related disorder. Also called: AARS1-related condition.

Allele frequency attached by ClinVar (database versions not stated): gnomAD exomes 0.00012 and 0.00028; ExAC 0.00034; gnomAD 0.00079 and 0.00081; TOPMed 0.00090; 1000 Genomes Project 30x 0.00094; 1000 Genomes Project 0.00100; ESP Exome Variant Server 0.00139.

Submissions (7):

Labcorp Genetics (formerly Invitae), Labcorp
Classification: Benign for Charcot-Marie-Tooth disease type 2. Last evaluated: 2026-01-03. Review status: criteria provided, single submitter. Criteria: Invitae Variant Classification Sherloc (09022015). Collection method: clinical testing. Allele origin: germline.

Women's Health and Genetics/Laboratory Corporation of America, LabCorp
Classification: Likely benign. Last evaluated: 2024-09-10. Review status: criteria provided, single submitter. Criteria: LabCorp Variant Classification Summary - May 2015. Collection method: clinical testing. Allele origin: germline.
Comment: Variant summary: AARS1 c.1632C>T alters a non-conserved nucleotide resulting in a synonymous change. Consensus agreement among computation tools predict no significant impact on normal splicing. However, these predictions have yet to be confirmed by functional studies. The variant allele was found at a frequency of 0.00034 in 282878 control chromosomes in the gnomAD database, including 2 homozygotes. To our knowledge, no occurrence of c.1632C>T in individuals affected with Developmental and epileptic encephalopathy, 29 and no experimental evidence demonstrating its impact on protein function have been reported. ClinVar contains an entry for this variant (Variation ID: 439344). Based on the evidence outlined above, the variant was classified as likely benign.

Blueprint Genetics
Classification: Likely benign. Last evaluated: 2022-10-07. Review status: criteria provided, single submitter. Criteria: ACMG Guidelines, 2015. Collection method: clinical testing. Allele origin: germline.

GeneDx
Classification: Likely benign. Last evaluated: 2020-08-14. Review status: criteria provided, single submitter. Criteria: GeneDx Variant Classification Process June 2021. Collection method: clinical testing. Allele origin: germline. Affected: yes.

Ambry Genetics
Classification: Likely benign for Inborn genetic diseases. Last evaluated: 2019-07-11. Review status: criteria provided, single submitter. Criteria: Ambry Variant Classification Scheme 2023. Collection method: clinical testing. Allele origin: germline.

ARUP Laboratories, Molecular Genetics and Genomics, ARUP Laboratories
Classification: Benign. Last evaluated: 2017-01-31. Review status: criteria provided, single submitter. Criteria: ARUP Molecular Germline Variant Investigation Process. Collection method: clinical testing. Allele origin: germline.

PreventionGenetics, part of Exact Sciences
Classification: Likely benign for AARS1-related condition. Last evaluated: 2019-02-18. Review status: no assertion criteria provided. Collection method: clinical testing. Allele origin: germline. Not counted in ClinVar's aggregate classification.
Comment: This variant is classified as likely benign based on ACMG/AMP sequence variant interpretation guidelines (Richards et al. 2015 PMID: 25741868, with internal and published modifications).